The following is an entry in ClinVar:

NM_031407.7(HUWE1):c.5441A>G (p.Asn1814Ser)

Gene: HUWE1 (HECT, UBA and WWE domain containing E3 ubiquitin protein ligase 1; minus strand). Cytogenetic location: Xp11.22.
Variant type: single nucleotide variant.
Coding change: c.5441A>G on transcript NM_031407.7 (MANE Select); coding-DNA position 5441, A replaced by G.
Protein change: p.Asn1814Ser; replaces asparagine 1814 with serine.
Molecular consequence: missense variant.
Genome position (GRCh38, 1-based): chrX:53,583,637, T>C on the plus strand (A>G on the coding strand, the complement: HUWE1 is on the minus strand). VCF-style: chrX-53583637-T-C. GRCh37 (hg19) VCF-style: chrX-53610597-T-C.
Other names: p.Asn1814Ser; short protein forms N1814S.
Identifiers: ClinVar variation 1700690 (VCV001700690.3), dbSNP rs1556970140, ClinGen allele CA413173586.

ClinVar aggregate classification (germline): Uncertain significance (1 of 4 stars; one submission).

Conditions:
Intellectual developmental disorder, X-linked, syndromic, Turner type. Also called: X-linked intellectual disability, Turner type; Intellectual disability, X-linked syndromic, Turner type. Identifiers: Orphanet 3056, Orphanet 85328, MedGen C2678046, MONDO:0010407, OMIM 309590.

Allele frequency attached by ClinVar (database versions not stated): gnomAD exomes 0.00001.
gnomAD v4.1: 3 of 1,211,010 alleles (0.00025%); highest among the groups gnomAD compares: Admixed American, 0.0022%; no homozygotes.

Submission:

Foundation for Research in Genetics and Endocrinology, FRIGE's Institute of Human Genetics
Classification: Uncertain significance for Intellectual developmental disorder, X-linked, syndromic, Turner type. Last evaluated: 2022-02-05. Review status: criteria provided, single submitter. Criteria: ACMG Guidelines, 2015. Collection method: clinical testing. Allele origin: maternal. Inheritance: X-linked inheritance. Affected: yes. Observed: 1 hemizygote.
Comment: A hemizygous missense variation in exon 41 of the HUWE1 gene (chrX:g.53583637T>C; Depth: 116x) that results in the amino acid substitution of Serine for Asparagine at codon 1814 (p.Asn1814Ser; ENST00000342160.7) was detected. The p.Asn1814Ser variant has not been reported in the 1000 genomes and gnomAD databases. The in silico prediction of the variant is damaging by LRT. The reference codon is conserved across species.